The following is an entry in ClinVar:

ClinVar aggregate classification (germline): Conflicting classifications of pathogenicity. Review status: criteria provided, conflicting classifications (1 of 4 stars). 2 submissions from 2 submitters: Uncertain significance (1); Likely benign (1). Last evaluated 2025-09-18.

Conditions:
Neuroblastoma, susceptibility to, 3. Also called: ALK-Related Neuroblastic Tumor Susceptibility. Identifiers: Orphanet 635, MedGen C2751681, MONDO:0013083, OMIM 613014.
Hereditary cancer-predisposing syndrome. Also called: Neoplastic Syndromes, Hereditary; Hereditary neoplastic syndrome; Hereditary Cancer Syndrome; Tumor predisposition. Identifiers: Orphanet 140162, MedGen C0027672, MeSH D009386, MONDO:0015356.

Allele frequency attached by ClinVar (database versions not stated): TOPMed below 0.00001; gnomAD 0.00001.
gnomAD v4.1: 1 of 1,613,968 alleles (0.000062%); highest among the groups gnomAD compares: Non-Finnish European, 0.000085%; no homozygotes.

Submissions (2):

Ambry Genetics
Classification: Likely benign for Hereditary cancer-predisposing syndrome. Last evaluated: 2025-09-18. Review status: criteria provided, single submitter. Criteria: Ambry Variant Classification Scheme 2023. Collection method: clinical testing. Allele origin: germline.

Labcorp Genetics (formerly Invitae), Labcorp
Classification: Uncertain significance for Neuroblastoma, susceptibility to, 3. Last evaluated: 2024-06-04. Review status: criteria provided, single submitter. Criteria: Invitae Variant Classification Sherloc (09022015). Collection method: clinical testing. Allele origin: germline.
Comment: This sequence change affects a donor splice site in intron 10 of the ALK gene. It is expected to disrupt RNA splicing. Variants that disrupt the donor or acceptor splice site typically lead to a loss of protein function (PMID: 16199547), however the current clinical and genetic evidence is not sufficient to establish whether loss-of-function variants in ALK cause disease. This variant is not present in population databases (gnomAD no frequency). This variant has not been reported in the literature in individuals affected with ALK-related conditions. ClinVar contains an entry for this variant (Variation ID: 1401978). Algorithms developed to predict the effect of sequence changes on RNA splicing suggest that this variant may disrupt the consensus splice site. In summary, the available evidence is currently insufficient to determine the role of this variant in disease. Therefore, it has been classified as a Variant of Uncertain Significance.

Literature cited by the submitters: PubMed 16199547 (cited by Labcorp Genetics (formerly Invitae), Labcorp).

NM_004304.5(ALK):c.1912+1G>A

Gene: ALK (ALK receptor tyrosine kinase; minus strand). Cytogenetic location: 2p23.2.
Variant type: single nucleotide variant.
Coding change: c.1912+1G>A on transcript NM_004304.5 (MANE Select); the canonical splice donor site of the intron after coding-DNA position 1912, G replaced by A.
Molecular consequence: splice donor variant.
Genome position (GRCh38, 1-based): chr2:29,275,401, C>T on the plus strand (G>A on the coding strand, the complement: ALK is on the minus strand). VCF-style: chr2-29275401-C-T. GRCh37 (hg19) VCF-style: chr2-29498267-C-T.
Other names: c.1912+1G>A (NM_004304.4).
Identifiers: ClinVar variation 1401978 (VCV001401978.9), dbSNP rs1430369916, ClinGen allele CA346479848.